The following is an entry in ClinVar:

NM_032043.3(BRIP1):c.654T>G (p.Cys218Trp)

Gene: BRIP1 (BRCA1 interacting DNA helicase 1; minus strand). Cytogenetic location: 17q23.2.
Variant type: single nucleotide variant.
Coding change: c.654T>G on transcript NM_032043.3 (MANE Select); coding-DNA position 654, T replaced by G.
Protein change: p.Cys218Trp; replaces cysteine 218 with tryptophan.
Molecular consequence: missense variant.
Genome position (GRCh38, 1-based): chr17:61,808,731, A>C on the plus strand (T>G on the coding strand, the complement: BRIP1 is on the minus strand). VCF-style: chr17-61808731-A-C. GRCh37 (hg19) VCF-style: chr17-59886092-A-C.
Other names: short protein forms C218W.
Identifiers: ClinVar variation 2942248 (VCV002942248.3), dbSNP rs2145422653, ClinGen allele CA400485197.

ClinVar aggregate classification (germline): Uncertain significance (1 of 4 stars; one submission).

Conditions:
Fanconi anemia complementation group J. Also called: BRIP1-Related Fanconi Anemia. Identifiers: Orphanet 84, MedGen C1836860, MONDO:0012187, OMIM 609054.
Familial cancer of breast. Also called: BREAST CANCER, FAMILIAL; Hereditary breast cancer; hereditary breast carcinoma. Identifiers: Orphanet 227535, MedGen C0346153, MONDO:0016419, OMIM 114480. Disease mechanism: loss of function.

Submission:

Labcorp Genetics (formerly Invitae), Labcorp
Classification: Uncertain significance for Familial cancer of breast; Fanconi anemia complementation group J. Last evaluated: 2022-12-12. Review status: criteria provided, single submitter. Criteria: Invitae Variant Classification Sherloc (09022015). Collection method: clinical testing. Allele origin: germline.
Comment: In summary, the available evidence is currently insufficient to determine the role of this variant in disease. Therefore, it has been classified as a Variant of Uncertain Significance. Advanced modeling of protein sequence and biophysical properties (such as structural, functional, and spatial information, amino acid conservation, physicochemical variation, residue mobility, and thermodynamic stability) performed at Invitae indicates that this missense variant is not expected to disrupt BRIP1 protein function. This sequence change replaces cysteine, which is neutral and slightly polar, with tryptophan, which is neutral and slightly polar, at codon 218 of the BRIP1 protein (p.Cys218Trp). This variant is not present in population databases (gnomAD no frequency). This variant has not been reported in the literature in individuals affected with BRIP1-related conditions.